The following is an entry in ClinVar:

NM_001754.5(RUNX1):c.304C>T (p.Leu102=)

Gene: RUNX1 (RUNX family transcription factor 1; minus strand). Cytogenetic location: 21q22.12.
Variant type: single nucleotide variant.
Coding change: c.304C>T on transcript NM_001754.5 (MANE Select); coding-DNA position 304, C replaced by T.
Protein change: p.Leu102=; no amino-acid change (leucine 102 retained).
Molecular consequence: synonymous variant.
Genome position (GRCh38, 1-based): chr21:34,886,890, G>A on the plus strand (C>T on the coding strand, the complement: RUNX1 is on the minus strand). VCF-style: chr21-34886890-G-A. GRCh37 (hg19) VCF-style: chr21-36259187-G-A.
Other names: NM_001754.5(RUNX1):c.304C>T; p.Leu102=; c.223C>T, p.Leu75= (NM_001001890.3, NM_001122607.2).
Identifiers: ClinVar variation 3645433 (VCV003645433.5).
Genomic context (GRCh38, chr21:34,886,890, plus strand): 5'-TCCGGGCCAGTACCTTGAAAGCGATGGGCAGGGTCTTGTTGCAGCGCCAGTGCGTAGGCA[G>A]CACGGAGCAGAGGAAGTTGGGGCTGTCGGTGCGCACCAGCTCGCCCGGGTGGTCGGCCAG-3'
Protein context (NP_001745.2, residues 92-112): TDSPNFLCSV[Leu102=]PTHWRCNKTL

ClinVar aggregate classification (germline): Likely benign. Review status: reviewed by expert panel (3 of 4 stars). 2 submissions from 2 submitters: Likely benign (1). 1 of the submissions does not count toward it. Last evaluated 2026-05-04.

Conditions:
Hereditary thrombocytopenia and hematological cancer predisposition syndrome associated with RUNX1. Also called: Familial Platelet Disorder with Propensity to Acute Myelogenous Leukemia; Familial thrombocytopenia with propensity to acute myelogenous leukemia; PLATELET DISORDER, ASPIRIN-LIKE; RUNX1 Familial Platelet Disorder with Associated Myeloid Malignancies. Identifiers: Orphanet 71290, MedGen C1832388, MeSH C563324, MONDO:0100083, OMIM 601399.
Hereditary thrombocytopenia and hematologic cancer predisposition syndrome. Identifiers: Orphanet 71290, MedGen CN281654, MONDO:0011071.

Submissions (2):

ClinGen Myeloid Malignancy Variant Curation Expert Panel
Classification: Likely benign for Hereditary thrombocytopenia and hematologic cancer predisposition syndrome. Last evaluated: 2026-05-04. Review status: reviewed by expert panel. Criteria: ClinGen MyeloMalig ACMG Specifications V3.1. Collection method: curation. Allele origin: germline. Inheritance: Autosomal dominant inheritance.
Comment: NM_001754.5(RUNX1):c.304C>T (p.Leu102=) is a synonymous variant which has a SpliceAI score ≤ 0.20 (0.01) (BP4, BP7). This variant is completely absent from all population databases with at least 20x coverage for RUNX1 (PM2_supporting). In summary, this variant meets criteria to be classified as likely benign. ACMG/AMP criteria applied, as specified by the Myeloid Malignancy Variant Curation Expert Panel for RUNX1: BP4, BP7, PM2_supporting.

Labcorp Genetics (formerly Invitae), Labcorp
Classification: Likely benign for Hereditary thrombocytopenia and hematological cancer predisposition syndrome associated with RUNX1. Last evaluated: 2024-03-20. Review status: criteria provided, single submitter. Criteria: Invitae Variant Classification Sherloc (09022015). Collection method: clinical testing. Allele origin: germline. Not counted in ClinVar's aggregate classification.